The following is an entry in ClinVar:

NM_006514.4(SCN10A):c.3903C>A (p.Asn1301Lys)

Gene: SCN10A (sodium voltage-gated channel alpha subunit 10; minus strand). Cytogenetic location: 3p22.2.
Variant type: single nucleotide variant.
Coding change: c.3903C>A on transcript NM_006514.4 (MANE Select); coding-DNA position 3903, C replaced by A.
Protein change: p.Asn1301Lys; replaces asparagine 1301 with lysine.
Molecular consequence: missense variant.
Genome position (GRCh38, 1-based): chr3:38,712,347, G>T on the plus strand (C>A on the coding strand, the complement: SCN10A is on the minus strand). VCF-style: chr3-38712347-G-T. GRCh37 (hg19) VCF-style: chr3-38753838-G-T.
Other names: c.3900C>A, p.Asn1300Lys (NM_001293306.2); c.3609C>A, p.Asn1203Lys (NM_001293307.2); short protein forms N1300K, N1203K, N1301K.
Identifiers: ClinVar variation 3950851 (VCV003950851.1).

ClinVar aggregate classification (germline): Uncertain significance (1 of 4 stars; one submission).

Conditions:
Cardiovascular phenotype. Identifiers: MedGen CN230736.

Submission:

Ambry Genetics
Classification: Uncertain significance for Cardiovascular phenotype. Last evaluated: 2025-03-23. Review status: criteria provided, single submitter. Criteria: Ambry Variant Classification Scheme 2023. Collection method: clinical testing. Allele origin: germline.
Comment: The p.N1301K variant (also known as c.3903C>A), located in coding exon 22 of the SCN10A gene, results from a C to A substitution at nucleotide position 3903. The asparagine at codon 1301 is replaced by lysine, an amino acid with similar properties. This amino acid position is conserved. In addition, the in silico prediction for this alteration is inconclusive. Based on the available evidence, the clinical significance of this variant remains unclear.